The following is an entry in ClinVar:

ClinVar aggregate classification (germline): Uncertain significance (1 of 4 stars; one submission).

Submission:

Labcorp Genetics (formerly Invitae), Labcorp
Classification: Uncertain significance. Last evaluated: 2022-09-29. Review status: criteria provided, single submitter. Criteria: Invitae Variant Classification Sherloc (09022015). Collection method: clinical testing. Allele origin: germline.
Comment: This sequence change affects an acceptor splice site in intron 9 of the IL12RB2 gene. It is expected to disrupt RNA splicing. Variants that disrupt the donor or acceptor splice site typically lead to a loss of protein function (PMID: 16199547), however the current clinical and genetic evidence is not sufficient to establish whether loss-of-function variants in IL12RB2 cause disease. This variant is not present in population databases (gnomAD no frequency). This variant has not been reported in the literature in individuals affected with IL12RB2-related conditions. Algorithms developed to predict the effect of sequence changes on RNA splicing suggest that this variant may disrupt the consensus splice site. In summary, the available evidence is currently insufficient to determine the role of this variant in disease. Therefore, it has been classified as a Variant of Uncertain Significance.

Literature cited by the submitters: PubMed 16199547.

NM_001374259.2(IL12RB2):c.1259-1G>T

Gene: IL12RB2 (interleukin 12 receptor subunit beta 2; plus strand). Cytogenetic location: 1p31.3.
Variant type: single nucleotide variant.
Coding change: c.1259-1G>T on transcript NM_001374259.2 (MANE Select); the canonical splice acceptor site of the intron before coding-DNA position 1259, G replaced by T.
Molecular consequence: splice acceptor variant.
Genome position (GRCh38, 1-based): chr1:67,367,824, G>T. VCF-style: chr1-67367824-G-T. GRCh37 (hg19) VCF-style: chr1-67833507-G-T.
Other names: c.1259-1G>T (NM_001258214.1, NM_001319233.1, NM_001258216.1 and 2 more transcripts).
Identifiers: ClinVar variation 2032969 (VCV002032969.4), dbSNP rs2523214977, ClinGen allele CA340737810.
Genomic context (GRCh38, chr1:67,367,824, plus strand): 5'-TGTTTAAATCTTTATCCCTCCTCTTTTTTTATTTTGTTTCTCCTCTTTCTGTCCGATAAA[G>T]GGTTGCTGGCTCCTCGCCAGGTCTCTGCAAACTCAGAGGGCATGGACAACATTCTGGTGA-3'